The following is an entry in ClinVar:

ClinVar aggregate classification (germline): Likely benign. Review status: criteria provided, multiple submitters, no conflicts (2 of 4 stars). 3 submissions from 3 submitters: Likely benign (3). Last evaluated 2026-07-01.

Conditions:
Atrioventricular septal defect 5 (AVSD5). Identifiers: MedGen C3280939, MONDO:0013769, OMIM 614474.

Allele frequency attached by ClinVar (database versions not stated): ExAC 0.00002.
gnomAD v4.1: 49 of 1,602,940 alleles (0.0031%); highest among the groups gnomAD compares: Non-Finnish European, 0.004%; no homozygotes.

Submissions (3):

CeGaT Center for Human Genetics Tuebingen
Classification: Likely benign. Last evaluated: 2026-07-01. Review status: criteria provided, single submitter. Criteria: CeGaT Center For Human Genetics Tuebingen Variant Classification Criteria Version 2. Collection method: clinical testing. Allele origin: germline. Affected: yes. Observed: 1 variant allele.
Comment: GATA6: BP4, BP7

Labcorp Genetics (formerly Invitae), Labcorp
Classification: Likely benign for Atrioventricular septal defect 5. Last evaluated: 2025-11-10. Review status: criteria provided, single submitter. Criteria: Invitae Variant Classification Sherloc (09022015). Collection method: clinical testing. Allele origin: germline.

Blueprint Genetics
Classification: Likely benign. Last evaluated: 2024-06-25. Review status: criteria provided, single submitter. Criteria: ACMG Guidelines, 2015. Collection method: clinical testing. Allele origin: germline.

NM_005257.6(GATA6):c.423C>G (p.Pro141=)

Gene: GATA6 (GATA binding protein 6; plus strand). Cytogenetic location: 18q11.2.
Variant type: single nucleotide variant.
Coding change: c.423C>G on transcript NM_005257.6 (MANE Select); coding-DNA position 423, C replaced by G.
Protein change: p.Pro141=; no amino-acid change (proline 141 retained).
Molecular consequence: synonymous variant.
Genome position (GRCh38, 1-based): chr18:22,171,567, C>G. VCF-style: chr18-22171567-C-G. GRCh37 (hg19) VCF-style: chr18-19751528-C-G.
Identifiers: ClinVar variation 2073748 (VCV002073748.7), dbSNP rs766213257, ClinGen allele CA8908883.